The following is an entry in ClinVar:

NM_152564.5(VPS13B):c.11957T>C (p.Met3986Thr)

Gene: VPS13B (vacuolar protein sorting 13 homolog B; plus strand). Cytogenetic location: 8q22.2.
Variant type: single nucleotide variant.
Coding change: c.11957T>C on transcript NM_152564.5 (MANE Select); coding-DNA position 11957, T replaced by C.
Protein change: p.Met3986Thr; replaces methionine 3986 with threonine.
Molecular consequence: missense variant.
Genome position (GRCh38, 1-based): chr8:99,875,629, T>C. VCF-style: chr8-99875629-T-C. GRCh37 (hg19) VCF-style: chr8-100887857-T-C.
Other names: c.12032T>C, p.Met4011Thr (NM_017890.5); short protein forms M3986T, M4011T.
Identifiers: ClinVar variation 3664774 (VCV003664774.2).
Genomic context (GRCh38, chr8:99,875,629, plus strand): 5'-AAACATACCATTACCTGGTTGATCCACATTTTGCTCAGGTCTTCCTTAGTAAATTTACCA[T>C]GGTGAAAAATAAAGCCCTGAGGAAAGGGTTTCCTTGAGTCCCCTCTGAGGTGTTTATTCC-3'
Protein context (NP_689777.3, residues 3976-3996): FAQVFLSKFT[Met3986Thr]VKNKALRKGF

ClinVar aggregate classification (germline): Uncertain significance (1 of 4 stars; one submission).

Conditions:
Cohen syndrome (COH1). Also called: PEPPER SYNDROME; Cutis verticis gyrata, retinitis pigmentosa, and sensorineural deafness. Identifiers: Orphanet 193, MedGen C0265223, MONDO:0008999, OMIM 216550.

gnomAD v4.1: 1 of 1,614,204 alleles (0.000062%); highest among the groups gnomAD compares: African/African-American, 0.0013%; no homozygotes.

Submission:

Labcorp Genetics (formerly Invitae), Labcorp
Classification: Uncertain significance for Cohen syndrome. Last evaluated: 2025-08-12. Review status: criteria provided, single submitter. Criteria: Invitae Variant Classification Sherloc (09022015). Collection method: clinical testing. Allele origin: germline.
Comment: This sequence change replaces methionine, which is neutral and non-polar, with threonine, which is neutral and polar, at codon 4011 of the VPS13B protein (p.Met4011Thr). This variant is present in population databases (rs771731368, gnomAD 0.007%). This variant has not been reported in the literature in individuals affected with VPS13B-related conditions. ClinVar contains an entry for this variant (Variation ID: 3664774). Invitae Evidence Modeling of protein sequence and biophysical properties (such as structural, functional, and spatial information, amino acid conservation, physicochemical variation, residue mobility, and thermodynamic stability) indicates that this missense variant is not expected to disrupt VPS13B protein function with a negative predictive value of 80%. In summary, the available evidence is currently insufficient to determine the role of this variant in disease. Therefore, it has been classified as a Variant of Uncertain Significance.